The following is an entry in ClinVar:

NM_000180.4(GUCY2D):c.2165G>A (p.Arg722Gln)

Gene: GUCY2D (guanylate cyclase 2D, retinal; plus strand). Cytogenetic location: 17p13.1.
Variant type: single nucleotide variant.
Coding change: c.2165G>A on transcript NM_000180.4 (MANE Select); coding-DNA position 2165, G replaced by A.
Protein change: p.Arg722Gln; replaces arginine 722 with glutamine.
Molecular consequence: missense variant.
Genome position (GRCh38, 1-based): chr17:8,013,154, G>A. VCF-style: chr17-8013154-G-A. GRCh37 (hg19) VCF-style: chr17-7916472-G-A.
Other names: short protein forms R722Q.
Identifiers: ClinVar variation 1063027 (VCV001063027.10), dbSNP rs745426085, ClinGen allele CA8366031.

ClinVar aggregate classification (germline): Uncertain significance. Review status: criteria provided, multiple submitters, no conflicts (2 of 4 stars). 3 submissions from 3 submitters: Uncertain significance (2). 1 of the submissions does not count toward it. Last evaluated 2025-07-08.

Conditions:
Leber congenital amaurosis 1 (LCA1). Also called: Congenital absence of the rods and cones; Leber's congenital tapetoretinal degeneration; Leber's congenital tapetoretinal dysplasia; RETINAL BLINDNESS, CONGENITAL; AMAUROSIS CONGENITA OF LEBER I. Identifiers: Orphanet 65, MedGen C2931258, MONDO:0008764, OMIM 204000.
Cone-rod dystrophy 6 (CORD6). Also called: RETINAL CONE DYSTROPHY 2; Cone dystrophy progressive. Identifiers: Orphanet 1872, MedGen C1866293, MONDO:0011143, OMIM 601777.
Retinal dystrophy. Also called: Inherited retinal dystrophy. Identifiers: Orphanet 71862, MedGen C0854723, MeSH D058499, MONDO:0019118, HP:0000556.

Allele frequency attached by ClinVar (database versions not stated): ExAC 0.00003; gnomAD 0.00003 and 0.00004; gnomAD exomes 0.00003; TOPMed 0.00004.
gnomAD v4.1: 44 of 1,613,720 alleles (0.0027%); highest among the groups gnomAD compares: East Asian, 0.0067%; no homozygotes.

Submissions (3):

Labcorp Genetics (formerly Invitae), Labcorp
Classification: Uncertain significance for Leber congenital amaurosis 1; Cone-rod dystrophy 6. Last evaluated: 2025-07-08. Review status: criteria provided, single submitter. Criteria: Invitae Variant Classification Sherloc (09022015). Collection method: clinical testing. Allele origin: germline.
Comment: This sequence change replaces arginine, which is basic and polar, with glutamine, which is neutral and polar, at codon 722 of the GUCY2D protein (p.Arg722Gln). This variant is present in population databases (rs745426085, gnomAD 0.005%). This variant has not been reported in the literature in individuals affected with GUCY2D-related conditions. ClinVar contains an entry for this variant (Variation ID: 1063027). Invitae Evidence Modeling of protein sequence and biophysical properties (such as structural, functional, and spatial information, amino acid conservation, physicochemical variation, residue mobility, and thermodynamic stability) indicates that this missense variant is not expected to disrupt GUCY2D protein function with a negative predictive value of 80%. In summary, the available evidence is currently insufficient to determine the role of this variant in disease. Therefore, it has been classified as a Variant of Uncertain Significance.

Blueprint Genetics
Classification: Uncertain significance. Last evaluated: 2020-03-20. Review status: criteria provided, single submitter. Criteria: ACMG Guidelines, 2015. Collection method: clinical testing. Allele origin: germline.

Institute of Human Genetics, Univ. Regensburg, Univ. Regensburg
Classification: Uncertain significance for Retinal dystrophy. Last evaluated: 2020-01-01. Review status: no assertion criteria provided. Criteria: ACMG Guidelines, 2015. Collection method: clinical testing. Allele origin: germline. Affected: yes. Not counted in ClinVar's aggregate classification.